The following continues an entry in ClinVar:

NM_001267550.2(TTN):c.69130C>T (p.Pro23044Ser)

ClinVar aggregate classification (germline): Benign/Likely benign. Benign (8); Likely benign (12).

Submissions 16 to 21 of 21:

Genetic Services Laboratory, University of Chicago
Classification: Likely benign. Last evaluated: 2017-06-16. Review status: criteria provided, single submitter. Criteria: ACMG Guidelines, 2015. Collection method: clinical testing. Allele origin: germline. Affected: no.

Eurofins Ntd Llc (ga)
Classification: Likely benign. Last evaluated: 2015-08-14. Review status: criteria provided, single submitter. Criteria: EGL Classification Definitions 2015. Collection method: clinical testing. Allele origin: germline. Observed: 1 variant allele, 1 heterozygote.

Laboratory for Molecular Medicine, Mass General Brigham Personalized Medicine
Classification: Likely benign. Last evaluated: 2015-05-18. Review status: criteria provided, single submitter. Criteria: LMM Criteria. Collection method: clinical testing. Allele origin: germline. Observed: 18 variant alleles.
Comment: p.Pro20476Ser in exon 273 of TTN: This variant is not expected to have clinical significance because it has been identified in 0.5% (316/66218) of European chro mosomes including 1 homozygous individual and 0.5% (31/6570) of Finnish chromoso mes by the Exome Aggregation Consortium (dbSNP rs55980498).

Ambry Genetics
Classification: Likely benign for Cardiovascular phenotype. Last evaluated: 2013-07-31. Review status: criteria provided, single submitter. Criteria: Ambry Autosomal Dominant and X-Linked criteria (10/2015). Collection method: clinical testing. Allele origin: germline. Observed: 1 variant allele.

Genetics and Genomics Program, Sidra Medicine
Classification: Likely benign for Hypertrophic cardiomyopathy. Review status: criteria provided, single submitter. Criteria: ACMG Guidelines, 2015. Collection method: research. Allele origin: unknown. Affected: yes. Observed: 1 variant allele.

Practice for Gait Abnormalities, David Pomarino, Competency Network Toe Walking C/o Practice Pomarino
Classification: Likely pathogenic for Tip-toe gait. Review status: flagged submission. Collection method: clinical testing. Allele origin: germline. Affected: yes. Not counted in ClinVar's aggregate classification.
Comment: Myopathy refers to diseases that affect skeletal Muscles. These diseases attack muscle fibers, making muscles weak. Inherited myopathies are often caused by inheriting an abnormal gene mutation from a parent that causes the disease. Symptoms of congenital myopathies usually start at birth or in early childhood, but may not appear until the teen years or even later in adulthood. Congenital myopathies are somewhat unique compared with other inherited myopathies, as weakness typically affects all muscles and is often not progressive. Symptoms are: Muscle weakness, most commonly of upper arms and shoulders and thighs, muscle cramps, stiffness and spasms, fatigue with exertion and lack of energy. Our patients all walk on tiptoe, so they show similar symptoms. When we genetically test them with our toe walking panel, we find that around 90 per cent of them have a genetic variant that explains their toe walking. These can be assigned, for example, to the area of myopathies (such as variants of the COL6A3 gene), the area of hereditary neuropathies (such as variants of the KMT2C gene) or the area of metabolic diseases (such as variants of the PYGM gene). In a smaller group of patients with almost identical symptoms, no abnormality is found in the genes of our panel, but spastic paraplegia can be detected. In another small group of our toe walkers, no abnormalities can be detected in the genes analysed in our toe walking panel, nor do they suffer from spastic paraplegia, as is also the case with healthy children. In contrast to these, however, they show a tiptoe gait. These patients suffer from infantile cerebral palsy, in which toe walking can also be observed.
ClinVar note: Reason: Outlier claim with insufficient supporting evidence

Literature cited by the submitters: PubMed 17344846 (cited by Athena Diagnostics); PubMed 23396983 (cited by Women's Health and Genetics/Laboratory Corporation of America, LabCorp); PubMed 26498160 (cited by Women's Health and Genetics/Laboratory Corporation of America, LabCorp); PubMed 26516846 (cited by Women's Health and Genetics/Laboratory Corporation of America, LabCorp); PubMed 26383259 (cited by Women's Health and Genetics/Laboratory Corporation of America, LabCorp); PubMed 37091313 (cited by Practice for Gait Abnormalities, David Pomarino, Competency Network Toe Walking C/o Practice Pomarino).